The following is an entry in ClinVar:

ClinVar aggregate classification (germline): Uncertain significance (1 of 4 stars; one submission).

Conditions:
Noonan syndrome 9 (NS9). Identifiers: Orphanet 648, MedGen C4225282, MONDO:0014691, OMIM 616559.

gnomAD v4.1: 1 of 1,608,056 alleles (0.000062%); highest among the groups gnomAD compares: Non-Finnish European, 0.000085%; no homozygotes.

Submission:

Labcorp Genetics (formerly Invitae), Labcorp
Classification: Uncertain significance for Noonan syndrome 9. Last evaluated: 2025-11-28. Review status: criteria provided, single submitter. Criteria: Invitae Variant Classification Sherloc (09022015). Collection method: clinical testing. Allele origin: germline.
Comment: This sequence change replaces proline, which is neutral and non-polar, with leucine, which is neutral and non-polar, at codon 1192 of the SOS2 protein (p.Pro1192Leu). This variant is present in population databases (rs778025485, gnomAD 0.0009%). This variant has not been reported in the literature in individuals affected with SOS2-related conditions. Invitae Evidence Modeling of protein sequence and biophysical properties (such as structural, functional, and spatial information, amino acid conservation, physicochemical variation, residue mobility, and thermodynamic stability) indicates that this missense variant is not expected to disrupt SOS2 protein function with a negative predictive value of 95%. In summary, the available evidence is currently insufficient to determine the role of this variant in disease. Therefore, it has been classified as a Variant of Uncertain Significance.

NM_006939.4(SOS2):c.3575C>T (p.Pro1192Leu)

Gene: SOS2 (SOS Ras/Rho guanine nucleotide exchange factor 2; minus strand). Cytogenetic location: 14q21.3.
Variant type: single nucleotide variant.
Coding change: c.3575C>T on transcript NM_006939.4 (MANE Select); coding-DNA position 3575, C replaced by T.
Protein change: p.Pro1192Leu; replaces proline 1192 with leucine.
Molecular consequence: missense variant.
Genome position (GRCh38, 1-based): chr14:50,118,768, G>A on the plus strand (C>T on the coding strand, the complement: SOS2 is on the minus strand). VCF-style: chr14-50118768-G-A. GRCh37 (hg19) VCF-style: chr14-50585486-G-A.
Other names: c.3476C>T, p.Pro1159Leu (NM_001411020.1); short protein forms P1159L, P1192L.
Identifiers: ClinVar variation 4807513 (VCV004807513.1).